The following is an entry in ClinVar:

ClinVar aggregate classification (germline): Uncertain significance (1 of 4 stars; one submission).

Conditions:
Hypokalemic periodic paralysis, type 1. Also called: HypoPP; Hypokalemic Periodic Paralysis Type 1 (AD). Identifiers: Orphanet 681, MedGen C3714580, MONDO:0042979, OMIM 170400.
Malignant hyperthermia, susceptibility to, 5 (MHS5). Also called: CACNA1S-Related Malignant Hyperthermia Susceptibility. Identifiers: Orphanet 423, MedGen C1866077, MONDO:0011163, OMIM 601887.

Submission:

Labcorp Genetics (formerly Invitae), Labcorp
Classification: Uncertain significance for Hypokalemic periodic paralysis, type 1; Malignant hyperthermia, susceptibility to, 5. Last evaluated: 2024-02-23. Review status: criteria provided, single submitter. Criteria: Invitae Variant Classification Sherloc (09022015). Collection method: clinical testing. Allele origin: germline.
Comment: This sequence change replaces cysteine, which is neutral and slightly polar, with serine, which is neutral and polar, at codon 1134 of the CACNA1S protein (p.Cys1134Ser). This variant is not present in population databases (gnomAD no frequency). This variant has not been reported in the literature in individuals affected with CACNA1S-related conditions. ClinVar contains an entry for this variant (Variation ID: 1004473). Advanced modeling of protein sequence and biophysical properties (such as structural, functional, and spatial information, amino acid conservation, physicochemical variation, residue mobility, and thermodynamic stability) performed at Invitae indicates that this missense variant is not expected to disrupt CACNA1S protein function with a negative predictive value of 80%. In summary, the available evidence is currently insufficient to determine the role of this variant in disease. Therefore, it has been classified as a Variant of Uncertain Significance.

NM_000069.3(CACNA1S):c.3401G>C (p.Cys1134Ser)

Gene: CACNA1S (calcium voltage-gated channel subunit alpha1 S; minus strand). Cytogenetic location: 1q32.1.
Variant type: single nucleotide variant.
Coding change: c.3401G>C on transcript NM_000069.3 (MANE Select); coding-DNA position 3401, G replaced by C.
Protein change: p.Cys1134Ser; replaces cysteine 1134 with serine.
Molecular consequence: missense variant.
Genome position (GRCh38, 1-based): chr1:201,060,671, C>G on the plus strand (G>C on the coding strand, the complement: CACNA1S is on the minus strand). VCF-style: chr1-201060671-C-G. GRCh37 (hg19) VCF-style: chr1-201029799-C-G.
Other names: short protein forms C1134S.
Identifiers: ClinVar variation 1004473 (VCV001004473.9), dbSNP rs1661013466, ClinGen allele CA344160166.